The following is an entry in ClinVar:

NM_000435.3(NOTCH3):c.1534G>A (p.Ala512Thr)

Gene: NOTCH3 (notch receptor 3; minus strand). Cytogenetic location: 19p13.12.
Variant type: single nucleotide variant.
Coding change: c.1534G>A on transcript NM_000435.3 (MANE Select); coding-DNA position 1534, G replaced by A.
Protein change: p.Ala512Thr; replaces alanine 512 with threonine.
Molecular consequence: missense variant.
Genome position (GRCh38, 1-based): chr19:15,187,953, C>T on the plus strand (G>A on the coding strand, the complement: NOTCH3 is on the minus strand). VCF-style: chr19-15187953-C-T. GRCh37 (hg19) VCF-style: chr19-15298764-C-T.
Other names: short protein forms A512T.
Identifiers: ClinVar variation 2902798 (VCV002902798.25), dbSNP rs2046897164, ClinGen allele CA404526490.

ClinVar aggregate classification (germline): Uncertain significance. Review status: criteria provided, multiple submitters, no conflicts (2 of 4 stars). 2 submissions from 2 submitters: Uncertain significance (2). Last evaluated 2026-01-05.

Allele frequency attached by ClinVar (database versions not stated): TOPMed below 0.00001.
gnomAD v4.1: 2 of 1,550,612 alleles (0.00013%); highest among the groups gnomAD compares: Non-Finnish European, 0.00017%; no homozygotes.

Submissions (2):

Labcorp Genetics (formerly Invitae), Labcorp
Classification: Uncertain significance. Last evaluated: 2026-01-05. Review status: criteria provided, single submitter. Criteria: Invitae Variant Classification Sherloc (09022015). Collection method: clinical testing. Allele origin: germline.
Comment: This sequence change replaces alanine, which is neutral and non-polar, with threonine, which is neutral and polar, at codon 512 of the NOTCH3 protein (p.Ala512Thr). This variant is not present in population databases (gnomAD no frequency). This variant has not been reported in the literature in individuals affected with NOTCH3-related conditions. ClinVar contains an entry for this variant (Variation ID: 2902798). Invitae Evidence Modeling of protein sequence and biophysical properties (such as structural, functional, and spatial information, amino acid conservation, physicochemical variation, residue mobility, and thermodynamic stability) indicates that this missense variant is not expected to disrupt NOTCH3 protein function with a negative predictive value of 95%. In summary, the available evidence is currently insufficient to determine the role of this variant in disease. Therefore, it has been classified as a Variant of Uncertain Significance.

CeGaT Center for Human Genetics Tuebingen
Classification: Uncertain significance. Last evaluated: 2023-12-01. Review status: criteria provided, single submitter. Criteria: CeGaT Center For Human Genetics Tuebingen Variant Classification Criteria Version 2. Collection method: clinical testing. Allele origin: germline. Affected: yes. Observed: 1 variant allele.
Comment: NOTCH3: PM2